The following is an entry in ClinVar:

ClinVar aggregate classification (germline): Uncertain significance. Review status: criteria provided, multiple submitters, no conflicts (2 of 4 stars). 4 submissions from 4 submitters: Uncertain significance (4). Last evaluated 2021-11-12.

Conditions:
Charcot-Marie-Tooth disease type 2. Also called: Charcot-Marie-Tooth type 2. Identifiers: Orphanet 64746, MedGen C0270914, MONDO:0018993.

Allele frequency attached by ClinVar (database versions not stated): gnomAD exomes below 0.00001 and 0.00001.
gnomAD v4.1: 11 of 1,612,282 alleles (0.00068%); highest among the groups gnomAD compares: Middle Eastern, 0.099%; no homozygotes.

Submissions (4):

Mayo Clinic Laboratories, Mayo Clinic
Classification: Uncertain significance. Last evaluated: 2021-11-12. Review status: criteria provided, single submitter. Criteria: ACMG Guidelines, 2015. Collection method: clinical testing. Allele origin: germline.

Labcorp Genetics (formerly Invitae), Labcorp
Classification: Uncertain significance for Charcot-Marie-Tooth disease type 2. Last evaluated: 2021-11-06. Review status: criteria provided, single submitter. Criteria: Invitae Variant Classification Sherloc (09022015). Collection method: clinical testing. Allele origin: germline.
Comment: Algorithms developed to predict the effect of missense changes on protein structure and function are either unavailable or do not agree on the potential impact of this missense change (SIFT: "Deleterious"; PolyPhen-2: "Benign"; Align-GVGD: "Class C0"). Algorithms developed to predict the effect of sequence changes on RNA splicing suggest that this variant may create or strengthen a splice site. In summary, the available evidence is currently insufficient to determine the role of this variant in disease. Therefore, it has been classified as a Variant of Uncertain Significance. This variant has not been reported in the literature in individuals affected with MED25-related conditions. The frequency data for this variant in the population databases is considered unreliable, as metrics indicate poor data quality at this position in the gnomAD database. This sequence change replaces alanine, which is neutral and non-polar, with valine, which is neutral and non-polar, at codon 401 of the MED25 protein (p.Ala401Val).

Institute for Clinical Genetics, University Hospital TU Dresden, University Hospital TU Dresden
Classification: Uncertain significance. Last evaluated: 2021-11-03. Review status: criteria provided, single submitter. Criteria: ACMG Guidelines, 2015. Collection method: clinical testing. Allele origin: germline.

GeneDx
Classification: Uncertain significance. Last evaluated: 2019-05-21. Review status: criteria provided, single submitter. Criteria: GeneDx Variant Classification Process June 2021. Collection method: clinical testing. Allele origin: germline. Affected: yes.
Comment: Not observed at a significant frequency in large population cohorts (Lek et al., 2016); In silico analysis, which includes protein predictors and evolutionary conservation, supports that this variant does not alter protein structure/function; Has not been previously published as pathogenic or benign to our knowledge

NM_030973.4(MED25):c.1202C>T (p.Ala401Val)

Gene: MED25 (mediator complex subunit 25; plus strand). Cytogenetic location: 19q13.33.
Variant type: single nucleotide variant.
Coding change: c.1202C>T on transcript NM_030973.4 (MANE Select); coding-DNA position 1202, C replaced by T.
Protein change: p.Ala401Val; replaces alanine 401 with valine.
Molecular consequence: missense variant.
Genome position (GRCh38, 1-based): chr19:49,831,433, C>T. VCF-style: chr19-49831433-C-T. GRCh37 (hg19) VCF-style: chr19-50334690-C-T.
Other names: p.Ala401Val; c.1202C>T, p.Ala401Val (NM_001378355.1); short protein forms A401V.
Identifiers: ClinVar variation 1302976 (VCV001302976.11), dbSNP rs868663771, ClinGen allele CA309516925.